The following is an entry in ClinVar:

NM_019616.4(F7):c.694T>C (p.Cys232Arg)

Gene: F7 (coagulation factor VII; plus strand). Cytogenetic location: 13q34.
Variant type: single nucleotide variant.
Coding change: c.694T>C on transcript NM_019616.4 (MANE Select); coding-DNA position 694, T replaced by C.
Protein change: p.Cys232Arg; replaces cysteine 232 with arginine.
Molecular consequence: missense variant. On other transcripts: non-coding transcript variant (1).
Genome position (GRCh38, 1-based): chr13:113,117,551, T>C. VCF-style: chr13-113117551-T-C. GRCh37 (hg19) VCF-style: chr13-113771865-T-C.
Other names: c.508T>C, p.Cys170Arg (NM_001267554.2); c.760T>C, p.Cys254Arg (NM_000131.5); short protein forms C170R, C232R, C254R.
Identifiers: ClinVar variation 2576544 (VCV002576544.2), dbSNP rs2503049275, ClinGen allele CA388785353.
Genomic context (GRCh38, chr13:113,117,551, plus strand): 5'-GGAGCTCAGTTGTGTGGGGGGACCCTGATCAACACCATCTGGGTGGTCTCCGCGGCCCAC[T>C]GTTTCGACAAAATCAAGAACTGGAGGAACCTGATCGCGGTGCTGGGTGGGTACCACTCTC-3'
Protein context (NP_062562.1, residues 222-242): NTIWVVSAAH[Cys232Arg]FDKIKNWRNL

ClinVar aggregate classification (germline): Uncertain significance (1 of 4 stars; one submission).

Conditions:
Congenital factor VII deficiency. Identifiers: Orphanet 327, MedGen C0272320, MONDO:0009211, OMIM 227500.

Submission:

Institute of Human Genetics, University of Leipzig Medical Center
Classification: Uncertain significance for Congenital factor VII deficiency. Last evaluated: 2023-06-30. Review status: criteria provided, single submitter. Criteria: ACMG Guidelines, 2015. Collection method: clinical testing. Allele origin: unknown. Inheritance: Autosomal recessive inheritance. Affected: yes.
Comment: Criteria applied: PM1,PM2_SUP,PP3